The following is an entry in ClinVar:

ClinVar aggregate classification (germline): Benign/Likely benign. Review status: criteria provided, multiple submitters, no conflicts (2 of 4 stars). 2 submissions from 2 submitters: Benign (1); Likely benign (1). Last evaluated 2026-01-11.

Conditions:
Tumor predisposition syndrome 3 (TPDS3). Also called: Melanoma, cutaneous malignant, susceptibility to, 10; LONG TELOMERE SYNDROME, POT1-RELATED; POT1 Tumor Predisposition; Glioma susceptibility 9. Identifiers: Orphanet 618, MedGen C4014476, MONDO:0014368, OMIM 615848.

Submissions (2):

Labcorp Genetics (formerly Invitae), Labcorp
Classification: Benign for Tumor predisposition syndrome 3. Last evaluated: 2026-01-11. Review status: criteria provided, single submitter. Criteria: Invitae Variant Classification Sherloc (09022015). Collection method: clinical testing. Allele origin: germline.

GeneDx
Classification: Likely benign. Last evaluated: 2018-03-07. Review status: criteria provided, single submitter. Criteria: GeneDx Variant Classification (06012015). Collection method: clinical testing. Allele origin: germline. Affected: yes.
Comment: This variant is considered likely benign or benign based on one or more of the following criteria: it is a conservative change, it occurs at a poorly conserved position in the protein, it is predicted to be benign by multiple in silico algorithms, and/or has population frequency not consistent with disease.

NM_015450.3(POT1):c.1595-11dup

Gene: POT1 (protection of telomeres 1; minus strand). Cytogenetic location: 7q31.33.
Variant type: Duplication.
Coding change: c.1595-11dup on transcript NM_015450.3 (MANE Select); 11 bases into the intron before coding-DNA position 1595, one base duplicated (T; older notation c.1595-11dupT).
Molecular consequence: intron variant.
Genome position (GRCh38, 1-based): chr7:124,827,316, A duplicated on the plus strand (T on the coding strand, the reverse complement: POT1 is on the minus strand); the first of 7 consecutive A bases (chr7:124,827,316-124,827,322); duplicating any one gives the same sequence. VCF-style (leftmost placement, unchanged base first): chr7-124827315-G-GA. GRCh37 (hg19) VCF-style: chr7-124467369-G-GA.
Other names: c.1595-11dupT (NM_015450.2); c.1202-11dup (NM_001042594.2).
Identifiers: ClinVar variation 516009 (VCV000516009.9), dbSNP rs762511146, ClinGen allele CA4465035.